The following is an entry in ClinVar:

NM_000407.5(GP1BB):c.189C>T (p.Thr63=)

Genes: GP1BB (glycoprotein Ib platelet subunit beta; plus strand), SEPT5-GP1BB (SEPT5-GP1BB readthrough; plus strand). Cytogenetic location: 22q11.21.
Variant type: single nucleotide variant.
Coding change: c.189C>T on transcript NM_000407.5 (MANE Select); coding-DNA position 189, C replaced by T.
Protein change: p.Thr63=; no amino-acid change (threonine 63 retained).
Molecular consequence: synonymous variant. On other transcripts: non-coding transcript variant (2).
Genome position (GRCh38, 1-based): chr22:19,724,032, C>T. VCF-style: chr22-19724032-C-T. GRCh37 (hg19) VCF-style: chr22-19711555-C-T.
Identifiers: ClinVar variation 4873276 (VCV004873276.2).

ClinVar aggregate classification (germline): Likely benign (1 of 4 stars; one submission).

gnomAD v4.1: 12 of 1,526,342 alleles (0.00079%); highest among the groups gnomAD compares: South Asian, 0.011%; no homozygotes.

Submission:

CeGaT Center for Human Genetics Tuebingen
Classification: Likely benign. Last evaluated: 2026-06-01. Review status: criteria provided, single submitter. Criteria: CeGaT Center For Human Genetics Tuebingen Variant Classification Criteria Version 2. Collection method: clinical testing. Allele origin: germline. Affected: yes. Observed: 1 variant allele.
Comment: GP1BB: BP4, BP7